The following is an entry in ClinVar:

ClinVar aggregate classification (germline): Uncertain significance. Review status: criteria provided, multiple submitters, no conflicts (2 of 4 stars). 2 submissions from 2 submitters: Uncertain significance (2). Last evaluated 2026-01-25.

Conditions:
Cardiovascular phenotype. Identifiers: MedGen CN230736.
Atrioventricular septal defect 4 (AVSD4). Identifiers: MedGen C3280781, MONDO:0013747, OMIM 614430.

Allele frequency attached by ClinVar (database versions not stated): ExAC 0.00003; gnomAD 0.00003 and 0.00004; gnomAD exomes 0.00003; TOPMed 0.00004; ESP Exome Variant Server 0.00008.
gnomAD v4.1: 18 of 1,614,092 alleles (0.0011%); highest among the groups gnomAD compares: African/African-American, 0.0067%; no homozygotes.

Submissions (2):

Labcorp Genetics (formerly Invitae), Labcorp
Classification: Uncertain significance for Atrioventricular septal defect 4. Last evaluated: 2026-01-25. Review status: criteria provided, single submitter. Criteria: Invitae Variant Classification Sherloc (09022015). Collection method: clinical testing. Allele origin: germline.
Comment: This sequence change replaces proline, which is neutral and non-polar, with serine, which is neutral and polar, at codon 257 of the GATA4 protein (p.Pro257Ser). This variant is present in population databases (rs368091578, gnomAD 0.03%). This variant has not been reported in the literature in individuals affected with GATA4-related conditions. ClinVar contains an entry for this variant (Variation ID: 933773). Invitae Evidence Modeling of protein sequence and biophysical properties (such as structural, functional, and spatial information, amino acid conservation, physicochemical variation, residue mobility, and thermodynamic stability) has been performed for this missense variant. However, the output from this modeling did not meet the statistical confidence thresholds required to predict the impact of this variant on GATA4 protein function. In summary, the available evidence is currently insufficient to determine the role of this variant in disease. Therefore, it has been classified as a Variant of Uncertain Significance.

Ambry Genetics
Classification: Uncertain significance for Cardiovascular phenotype. Last evaluated: 2025-07-15. Review status: criteria provided, single submitter. Criteria: Ambry Variant Classification Scheme 2023. Collection method: clinical testing. Allele origin: germline.

NM_001308093.3(GATA4):c.772C>T (p.Pro258Ser)

Gene: GATA4 (GATA binding protein 4). Cytogenetic location: 8p23.1.
Variant type: single nucleotide variant.
Coding change: c.772C>T on transcript NM_001308093.3 (MANE Select); coding-DNA position 772, C replaced by T.
Protein change: p.Pro258Ser; replaces proline 258 with serine.
Molecular consequence: missense variant.
Genome position (GRCh38, 1-based): chr8:11,749,071, C>T. VCF-style: chr8-11749071-C-T. GRCh37 (hg19) VCF-style: chr8-11606580-C-T.
Other names: c.151C>T, p.Pro51Ser (NM_001308094.2, NM_001374273.1, NM_001374274.1); c.769C>T, p.Pro257Ser (NM_002052.5); short protein forms P51S, P257S, P258S.
Identifiers: ClinVar variation 933773 (VCV000933773.10), dbSNP rs368091578, ClinGen allele CA4630673.